The following is an entry in ClinVar:

NM_000396.4(CTSK):c.818del (p.Asn273fs)

Gene: CTSK (cathepsin K; minus strand). Cytogenetic location: 1q21.3.
Variant type: Deletion.
Coding change: c.818del on transcript NM_000396.4 (MANE Select); coding-DNA position 818, one base deleted (A; older notation c.818delA).
Protein change: p.Asn273fs; shifts the reading frame from asparagine 273.
Molecular consequence: frameshift variant.
Genome position (GRCh38, 1-based): chr1:150,799,240, T deleted on the plus strand (A on the coding strand, the reverse complement: CTSK is on the minus strand); the first of 2 consecutive T bases (chr1:150,799,240-150,799,241); deleting either gives the same sequence. VCF-style (leftmost placement, unchanged base first): chr1-150799239-AT-A. GRCh37 (hg19) VCF-style: chr1-150771715-AT-A.
Other names: short protein forms N273fs.
Identifiers: ClinVar variation 1961646 (VCV001961646.6), dbSNP rs1653935181, ClinGen allele CA2479312399.

ClinVar aggregate classification (germline): Pathogenic/Likely pathogenic. Review status: criteria provided, multiple submitters, no conflicts (2 of 4 stars). 2 submissions from 2 submitters: Pathogenic (1); Likely pathogenic (1). Last evaluated 2025-07-23.

Conditions:
Pyknodysostosis. Also called: Pycnodysostosis. Identifiers: Orphanet 763, MedGen C0238402, MONDO:0009940, OMIM 265800.

Submissions (2):

Labcorp Genetics (formerly Invitae), Labcorp
Classification: Pathogenic. Last evaluated: 2025-07-23. Review status: criteria provided, single submitter. Criteria: Invitae Variant Classification Sherloc (09022015). Collection method: clinical testing. Allele origin: germline.
Comment: This sequence change creates a premature translational stop signal (p.Asn273Ilefs*2) in the CTSK gene. It is expected to result in an absent or disrupted protein product. Loss-of-function variants in CTSK are known to be pathogenic (PMID: 12125807, 21569238). This variant is not present in population databases (gnomAD no frequency). This variant has not been reported in the literature in individuals affected with CTSK-related conditions. ClinVar contains an entry for this variant (Variation ID: 1961646). Algorithms developed to predict the effect of sequence changes on RNA splicing suggest that this variant may disrupt the consensus splice site. For these reasons, this variant has been classified as Pathogenic.

Baylor Genetics
Classification: Likely pathogenic for Pyknodysostosis. Last evaluated: 2023-01-12. Review status: criteria provided, single submitter. Criteria: ACMG Guidelines, 2015. Collection method: clinical testing. Allele origin: unknown.

Literature cited by the submitters: PubMed 12125807 (cited by Labcorp Genetics (formerly Invitae), Labcorp); PubMed 21569238 (cited by Labcorp Genetics (formerly Invitae), Labcorp).